The following is an entry in ClinVar:

NM_000219.6(KCNE1):c.130G>A (p.Ala44Thr)

Gene: KCNE1 (potassium voltage-gated channel subfamily E regulatory subunit 1; minus strand). Cytogenetic location: 21q22.12.
Variant type: single nucleotide variant.
Coding change: c.130G>A on transcript NM_000219.6 (MANE Select); coding-DNA position 130, G replaced by A.
Protein change: p.Ala44Thr; replaces alanine 44 with threonine.
Molecular consequence: missense variant.
Genome position (GRCh38, 1-based): chr21:34,449,505, C>T on the plus strand (G>A on the coding strand, the complement: KCNE1 is on the minus strand). VCF-style: chr21-34449505-C-T. GRCh37 (hg19) VCF-style: chr21-35821803-C-T.
Other names: c.130G>A, p.Ala44Thr (NM_001127668.4, NM_001127669.4, NM_001127670.4 and 4 more transcripts); short protein forms A44T.
Identifiers: ClinVar variation 3374123 (VCV003374123.2).

Conditions:
Long QT syndrome 5 (LQT5). Identifiers: Orphanet 101016, Orphanet 768, MedGen C1867904, MONDO:0013372, OMIM 613695.

Submission:

Roden Lab, Vanderbilt University Medical Center
No classification provided (evidence only). Condition: Long QT syndrome 5. Review status: no classification provided. Collection method: in vitro. Allele origin: not applicable. Functional consequence: Effect on ion channel function.
ClinVar note: "not provided" was previously submitted as the classification for the variant. However, the classification appeared to be based only on an observation of functional data so it was converted to no classification on 2025-07-30.